The following is an entry in ClinVar:

NM_002161.6(IARS1):c.163C>T (p.His55Tyr)

Gene: IARS1 (isoleucyl-tRNA synthetase 1; minus strand). Cytogenetic location: 9q22.31.
Variant type: single nucleotide variant.
Coding change: c.163C>T on transcript NM_002161.6 (MANE Select); coding-DNA position 163, C replaced by T.
Protein change: p.His55Tyr; replaces histidine 55 with tyrosine.
Molecular consequence: missense variant. On other transcripts: intron variant (1).
Genome position (GRCh38, 1-based): chr9:92,288,239, G>A on the plus strand (C>T on the coding strand, the complement: IARS1 is on the minus strand). VCF-style: chr9-92288239-G-A. GRCh37 (hg19) VCF-style: chr9-95050521-G-A.
Other names: c.163C>T, p.His55Tyr (NM_001374299.1, NM_001374300.1, NM_001374301.1 and 16 more transcripts); c.120-80C>T (NM_001378583.1); c.163C>T (NM_013417.2); short protein forms H55Y.
Identifiers: ClinVar variation 1945074 (VCV001945074.5), dbSNP rs1184109491, ClinGen allele CA373808686.
Genomic context (GRCh38, chr9:92,288,239, plus strand): 5'-TCTGGTGAGCATATCTTGTAACTATATCTTTAATTGTACCCGCAAGTATATGTCCATAGT[G>A]AGGCAGTCCAGTTGCAAAAGGAGGACCATCATAGAAGGTAAATCTAACAGGTAATAAAAA-3'
Protein context (NP_002152.2, residues 45-65): DGPPFATGLP[His55Tyr]YGHILAGTIK

ClinVar aggregate classification (germline): Uncertain significance. Review status: criteria provided, multiple submitters, no conflicts (2 of 4 stars). 2 submissions from 2 submitters: Uncertain significance (2). Last evaluated 2024-12-09.

Allele frequency attached by ClinVar (database versions not stated): gnomAD exomes below 0.00001.

Submissions (2):

Labcorp Genetics (formerly Invitae), Labcorp
Classification: Uncertain significance. Last evaluated: 2024-12-09. Review status: criteria provided, single submitter. Criteria: Invitae Variant Classification Sherloc (09022015). Collection method: clinical testing. Allele origin: germline.
Comment: This sequence change replaces histidine, which is basic and polar, with tyrosine, which is neutral and polar, at codon 55 of the IARS protein (p.His55Tyr). This variant is present in population databases (no rsID available, gnomAD 0.003%). This variant has not been reported in the literature in individuals affected with IARS-related conditions. ClinVar contains an entry for this variant (Variation ID: 1945074). An algorithm developed to predict the effect of missense changes on protein structure and function (PolyPhen-2) suggests that this variant is likely to be disruptive. In summary, the available evidence is currently insufficient to determine the role of this variant in disease. Therefore, it has been classified as a Variant of Uncertain Significance.

Ambry Genetics
Classification: Uncertain significance. Last evaluated: 2022-10-04. Review status: criteria provided, single submitter. Criteria: Ambry Variant Classification Scheme 2023. Collection method: clinical testing. Allele origin: germline.